The following is an entry in ClinVar:

ClinVar aggregate classification (germline): Likely benign (0 of 4 stars; one submission).

Conditions:
CEP170B-related disorder. Also called: CEP170B-related condition.

Submission:

PreventionGenetics, part of Exact Sciences
Classification: Likely benign for CEP170B-related condition. Last evaluated: 2019-02-22. Review status: no assertion criteria provided. Collection method: clinical testing. Allele origin: germline.
Comment: This variant is classified as likely benign based on ACMG/AMP sequence variant interpretation guidelines (Richards et al. 2015 PMID: 25741868, with internal and published modifications).

NM_001112726.3(CEP170B):c.1632G>C (p.Pro544=)

Gene: CEP170B (centrosomal protein 170B; plus strand). Cytogenetic location: 14q32.33.
Variant type: single nucleotide variant.
Coding change: c.1632G>C on transcript NM_001112726.3 (MANE Select); coding-DNA position 1632, G replaced by C.
Protein change: p.Pro544=; no amino-acid change (proline 544 retained).
Molecular consequence: synonymous variant.
Genome position (GRCh38, 1-based): chr14:104,884,411, G>C. VCF-style: chr14-104884411-G-C. GRCh37 (hg19) VCF-style: chr14-105350748-G-C.
Other names: c.1422G>C, p.Pro474= (NM_015005.3).
Identifiers: ClinVar variation 3057111 (VCV003057111.2), dbSNP rs568983781, ClinGen allele CA488502210.